The following is an entry in ClinVar:

ClinVar aggregate classification (germline): Benign/Likely benign. Review status: criteria provided, multiple submitters, no conflicts (2 of 4 stars). 6 submissions from 5 submitters: Benign (4); Likely benign (2). Last evaluated 2026-04-01.

Conditions:
Developmental and epileptic encephalopathy, 14 (DEE14). Also called: Early infantile epileptic encephalopathy 14. Identifiers: Orphanet 293181, MedGen C3554195, MONDO:0013989, OMIM 614959.
Autosomal dominant nocturnal frontal lobe epilepsy 5. Also called: CILIARY DYSKINESIA, PRIMARY, 28, WITHOUT SITUS INVERSUS; CILIARY DYSKINESIA, PRIMARY, 28, WITH SITUS INVERSUS; KCNT1-Related Epilepsy; Epilepsy, nocturnal frontal lobe, 5. Identifiers: Orphanet 98784, MedGen C3554306, MONDO:0014002, OMIM 615005.

Allele frequency attached by ClinVar (database versions not stated): TOPMed 0.00013; 1000 Genomes Project 0.00200; 1000 Genomes Project 30x 0.00219.
gnomAD v4.1: 1,200 of 1,610,422 alleles (0.075%); highest among the groups gnomAD compares: South Asian, 1.2%; 11 homozygotes.

Submissions (6):

CeGaT Center for Human Genetics Tuebingen
Classification: Likely benign. Last evaluated: 2026-04-01. Review status: criteria provided, single submitter. Criteria: CeGaT Center For Human Genetics Tuebingen Variant Classification Criteria Version 2. Collection method: clinical testing. Allele origin: germline. Affected: yes. Observed: 2 variant alleles.
Comment: KCNT1: BS1

Labcorp Genetics (formerly Invitae), Labcorp
Classification: Benign for Autosomal dominant nocturnal frontal lobe epilepsy 5; Developmental and epileptic encephalopathy, 14. Last evaluated: 2026-01-21. Review status: criteria provided, single submitter. Criteria: Invitae Variant Classification Sherloc (09022015). Collection method: clinical testing. Allele origin: germline.

Blueprint Genetics
Classification: Likely benign. Last evaluated: 2024-11-22. Review status: criteria provided, single submitter. Criteria: ACMG Guidelines, 2015. Collection method: clinical testing. Allele origin: germline.

Genome-Nilou Lab
Classification: Benign for Developmental and epileptic encephalopathy, 14. Last evaluated: 2022-03-15. Review status: criteria provided, single submitter. Criteria: ACMG Guidelines, 2015. Collection method: clinical testing. Allele origin: germline. Affected: no.

Genome-Nilou Lab
Classification: Benign for Autosomal dominant nocturnal frontal lobe epilepsy 5. Last evaluated: 2022-03-15. Review status: criteria provided, single submitter. Criteria: ACMG Guidelines, 2015. Collection method: clinical testing. Allele origin: germline. Affected: no.

GeneDx
Classification: Benign. Last evaluated: 2017-01-04. Review status: criteria provided, single submitter. Criteria: GeneDx Variant Classification (06012015). Collection method: clinical testing. Allele origin: germline. Affected: yes.
Comment: This variant is considered likely benign or benign based on one or more of the following criteria: it is a conservative change, it occurs at a poorly conserved position in the protein, it is predicted to be benign by multiple in silico algorithms, and/or has population frequency not consistent with disease.

NM_020822.3(KCNT1):c.600+11G>A

Gene: KCNT1 (potassium sodium-activated channel subfamily T member 1; plus strand). Cytogenetic location: 9q34.3.
Variant type: single nucleotide variant.
Coding change: c.600+11G>A on transcript NM_020822.3 (MANE Select); 11 bases into the intron after coding-DNA position 600, G replaced by A.
Molecular consequence: intron variant.
Genome position (GRCh38, 1-based): chr9:135,756,943, G>A. VCF-style: chr9-135756943-G-A. GRCh37 (hg19) VCF-style: chr9-138648789-G-A.
Other names: c.456+11G>A (NM_001272003.2).
Identifiers: ClinVar variation 385363 (VCV000385363.18), dbSNP rs375220600, ClinGen allele CA5326527.